The following is an entry in ClinVar:

NM_031885.5(BBS2):c.106_107del (p.Gln36fs)

Gene: BBS2 (Bardet-Biedl syndrome 2; minus strand). Cytogenetic location: 16q13.
Variant type: Deletion.
Coding change: c.106_107del on transcript NM_031885.5 (MANE Select); coding-DNA positions 106 to 107, 2 bases deleted (CA; older notation c.106_107delCA).
Protein change: p.Gln36fs; shifts the reading frame from glutamine 36.
Molecular consequence: frameshift variant. On other transcripts: non-coding transcript variant (5).
Genome position (GRCh38, 1-based): chr16:56,519,756-56,519,757, TG deleted on the plus strand (CA on the coding strand, the reverse complement: BBS2 is on the minus strand). VCF-style (leftmost placement, unchanged base first): chr16-56519755-TTG-T. GRCh37 (hg19) VCF-style: chr16-56553667-TTG-T.
Other names: c.106_107del, p.Gln36fs (NM_001377456.1); c.106_107delCA (NM_031885.5); short protein forms Q36fs.
Identifiers: ClinVar variation 4813862 (VCV004813862.1).

ClinVar aggregate classification (germline): Likely pathogenic (1 of 4 stars; one submission).

Conditions:
Focal segmental glomerulosclerosis (FSGS). Also called: Glomerulosclerosis, focal; Focal sclerosis with hyalinosis. Identifiers: MedGen C0017668, MONDO:0100313, HP:0000097. Disease mechanism: loss of function.

Submission:

Molecular Lab, University of Sulaimaniyah
Classification: Likely pathogenic for Focal segmental glomerulosclerosis. Last evaluated: 2026-03-12. Review status: criteria provided, single submitter. Criteria: ACMG Guidelines, 2015. Collection method: clinical testing. Allele origin: germline. Inheritance: Autosomal recessive inheritance. Affected: yes. Observed: 1 variant allele, 1 homozygote.
Comment: This variant was classified using the ACMG/AMP 2015 framework (PMID:25741868). PVS1 was applied because BBS2 c.106_107delCA is a predicted loss-of-function frameshift variant expected to create a premature termination codon in a recessive ciliopathy-associated gene for which loss of function is an established disease mechanism. The submitted classification reflects this combination of variant type, gene-disease mechanism, and internal observation data. Overall, the weight of evidence supported a Likely pathogenic classification.